The following is an entry in ClinVar:

ClinVar aggregate classification (germline): Likely benign (1 of 4 stars; one submission).

Submission:

CeGaT Center for Human Genetics Tuebingen
Classification: Likely benign. Last evaluated: 2024-11-01. Review status: criteria provided, single submitter. Criteria: CeGaT Center For Human Genetics Tuebingen Variant Classification Criteria Version 2. Collection method: clinical testing. Allele origin: germline. Affected: yes. Observed: 1 variant allele.
Comment: KIAA0586: PM2:Supporting, BP4, BP7

NM_001329943.3(KIAA0586):c.621T>A (p.Val207=)

Gene: KIAA0586 (KIAA0586; plus strand). Cytogenetic location: 14q23.1.
Variant type: single nucleotide variant.
Coding change: c.621T>A on transcript NM_001329943.3 (MANE Select); coding-DNA position 621, T replaced by A.
Protein change: p.Val207=; no amino-acid change (valine 207 retained).
Molecular consequence: synonymous variant.
Genome position (GRCh38, 1-based): chr14:58,443,989, T>A. VCF-style: chr14-58443989-T-A. GRCh37 (hg19) VCF-style: chr14-58910707-T-A.
Other names: c.366T>A, p.Val122= (NM_001244191.2, NM_001329945.2, NM_001364700.1 and 1 more transcripts); c.489T>A, p.Val163= (NM_001244192.2); c.201T>A, p.Val67= (NM_001244193.2); c.621T>A, p.Val207= (NM_001329944.2, NM_001329946.2, NM_001329947.2 and 1 more transcripts); c.780T>A, p.Val260= (NM_001244189.2); c.576T>A, p.Val192= (NM_001244190.2).
Identifiers: ClinVar variation 3388786 (VCV003388786.14).